The following is an entry in ClinVar:

ClinVar aggregate classification (germline): Uncertain significance (1 of 4 stars; one submission).

Conditions:
Fanconi anemia (FA). Also called: Fanconi's anemia. Identifiers: Orphanet 84, MedGen C0015625, MeSH D005199, MONDO:0019391.

Submission:

Labcorp Genetics (formerly Invitae), Labcorp
Classification: Uncertain significance for Fanconi anemia. Last evaluated: 2024-04-10. Review status: criteria provided, single submitter. Criteria: Invitae Variant Classification Sherloc (09022015). Collection method: clinical testing. Allele origin: germline.
Comment: This sequence change replaces serine, which is neutral and polar, with arginine, which is basic and polar, at codon 764 of the FANCI protein (p.Ser764Arg). This variant is not present in population databases (gnomAD no frequency). This variant has not been reported in the literature in individuals affected with FANCI-related conditions. ClinVar contains an entry for this variant (Variation ID: 1997582). An algorithm developed to predict the effect of missense changes on protein structure and function (PolyPhen-2) suggests that this variant is likely to be tolerated. Algorithms developed to predict the effect of sequence changes on RNA splicing suggest that this variant may disrupt the consensus splice site. In summary, the available evidence is currently insufficient to determine the role of this variant in disease. Therefore, it has been classified as a Variant of Uncertain Significance.

NM_001113378.2(FANCI):c.2290A>C (p.Ser764Arg)

Gene: FANCI (FA complementation group I; plus strand). Cytogenetic location: 15q26.1.
Variant type: single nucleotide variant.
Coding change: c.2290A>C on transcript NM_001113378.2 (MANE Select); coding-DNA position 2290, A replaced by C.
Protein change: p.Ser764Arg; replaces serine 764 with arginine.
Molecular consequence: missense variant.
Genome position (GRCh38, 1-based): chr15:89,293,062, A>C. VCF-style: chr15-89293062-A-C. GRCh37 (hg19) VCF-style: chr15-89836293-A-C.
Other names: c.2011A>C, p.Ser671Arg (NM_001376910.1); c.2290A>C, p.Ser764Arg (NM_001376911.1, NM_018193.3); short protein forms S671R, S764R.
Identifiers: ClinVar variation 1997582 (VCV001997582.4), dbSNP rs2507402573, ClinGen allele CA393749575.